The following is an entry in ClinVar:

ClinVar aggregate classification (germline): Likely benign (1 of 4 stars; one submission).

gnomAD v4.1: 778 of 1,443,508 alleles (0.054%); highest among the groups gnomAD compares: African/African-American, 1%; 7 homozygotes.

Submission:

CeGaT Center for Human Genetics Tuebingen
Classification: Likely benign. Last evaluated: 2025-12-01. Review status: criteria provided, single submitter. Criteria: CeGaT Center For Human Genetics Tuebingen Variant Classification Criteria Version 2. Collection method: clinical testing. Allele origin: germline. Affected: yes. Observed: 1 variant allele.
Comment: ZSCAN10: BS1

NM_032805.3(ZSCAN10):c.59T>G (p.Leu20Arg)

Gene: ZSCAN10 (zinc finger and SCAN domain containing 10; minus strand). Cytogenetic location: 16p13.3.
Variant type: single nucleotide variant.
Coding change: c.59T>G on transcript NM_032805.3 (MANE Select); coding-DNA position 59, T replaced by G.
Protein change: p.Leu20Arg; replaces leucine 20 with arginine.
Molecular consequence: missense variant. On other transcripts: 5 prime UTR variant (2), intron variant (2).
Genome position (GRCh38, 1-based): chr16:3,092,879, A>C on the plus strand (T>G on the coding strand, the complement: ZSCAN10 is on the minus strand). VCF-style: chr16-3092879-A-C. GRCh37 (hg19) VCF-style: chr16-3142880-A-C.
Other names: c.-85T>G (NM_001282416.2, NM_001365272.1); c.-518-1051T>G (NM_001365273.1); c.-786-563T>G (NM_001282415.2); short protein forms L20R.
Identifiers: ClinVar variation 4681356 (VCV004681356.5).
Genomic context (GRCh38, chr16:3,092,879, plus strand): 5'-GGCCTCAGCCTGGACTCTGGTCGCCTGGGGTCCTCTGGGCTGACAGCCTCCTCCTCCTCC[A>C]GCTTGACTTCCCCCAGCTGCTCCTGCTCCACGGCAGCTGGGACTGATTCTCCAAGCATCC-3'
Protein context (NP_116194.2, residues 10-30): VEQEQLGEVK[Leu20Arg]EEEEAVSPED